The following is an entry in ClinVar:

ClinVar aggregate classification (germline): Uncertain significance. Review status: criteria provided, multiple submitters, no conflicts (2 of 4 stars). 2 submissions from 2 submitters: Uncertain significance (2). Last evaluated 2018-01-12.

Conditions:
Thyroid dyshormonogenesis 6 (TDH6). Also called: THYROID HORMONOGENESIS, GENETIC DEFECT IN, 6; HYPOTHYROIDISM, CONGENITAL, DUE TO DYSHORMONOGENESIS, 6; Genetic transient congenital hypothyroidism. Identifiers: Orphanet 226316, Orphanet 95716, MedGen C1846632, MONDO:0011792, OMIM 607200.

Allele frequency attached by ClinVar (database versions not stated): gnomAD 0.00007; TOPMed 0.00007; ExAC 0.00009.

Submissions (2):

Illumina Laboratory Services, Illumina
Classification: Uncertain significance for Thyroid dyshormonogenesis 6. Last evaluated: 2018-01-12. Review status: criteria provided, single submitter. Criteria: ICSL Variant Classification Criteria 13 December 2019. Collection method: clinical testing. Allele origin: germline.

GeneDx
Classification: Uncertain significance. Last evaluated: 2017-07-11. Review status: criteria provided, single submitter. Criteria: GeneDx Variant Classification (06012015). Collection method: clinical testing. Allele origin: germline. Affected: yes.
Comment: The G201E variant in the DUOX2 gene has been reported previously in an individual with congenital hypothyroidism who also harbored several other missense DUOX2 variants (Kizys et al., 2017). Functional studies demonstrated that the G201E variant results in a functionally inactive protein (Kizys et al., 2017). The G201E variant is observed in 1/3988 (0.025%) alleles from individuals of non-Finnish European background in the ExAC dataset (Lek et al., 2016). The G201E variant is a non-conservative amino acid substitution, which is likely to impact secondary protein structure as these residues differ in polarity, charge, size and/or other properties, and occurs at a position that is conserved across species. We interpret G201E as a variant of uncertain significance.

NM_001363711.2(DUOX2):c.602G>A (p.Gly201Glu)

Gene: DUOX2 (dual oxidase 2; minus strand). Cytogenetic location: 15q21.1.
Variant type: single nucleotide variant.
Coding change: c.602G>A on transcript NM_001363711.2 (MANE Select); coding-DNA position 602, G replaced by A.
Protein change: p.Gly201Glu; replaces glycine 201 with glutamic acid.
Molecular consequence: missense variant.
Genome position (GRCh38, 1-based): chr15:45,111,497, C>T on the plus strand (G>A on the coding strand, the complement: DUOX2 is on the minus strand). VCF-style: chr15-45111497-C-T. GRCh37 (hg19) VCF-style: chr15-45403695-C-T.
Other names: c.602G>A, p.Gly201Glu (NM_014080.5); short protein forms G201E.
Identifiers: ClinVar variation 450351 (VCV000450351.6), dbSNP rs753880185, ClinGen allele CA7538893.
Genomic context (GRCh38, chr15:45,111,497, plus strand): 5'-ATGAGCAGGGGGTTCTGCGAGTCTCGGGGGAAAGCGGGGTCGGGCCCCGACGCCAGCTGT[C>T]CCCCCGAGAAGCTCCGCAGCGCGTCGCTCCAGGAGTGCGAGGAGCCATAGATGGCGCTGC-3'
Protein context (NP_001350640.1, residues 191-211): WSDALRSFSG[Gly201Glu]QLASGPDPAF